The following is an entry in ClinVar:

ClinVar aggregate classification (germline): Uncertain significance. Review status: criteria provided, multiple submitters, no conflicts (2 of 4 stars). 2 submissions from 2 submitters: Uncertain significance (2). Last evaluated 2022-12-06.

Conditions:
Hereditary cancer-predisposing syndrome. Also called: Tumor predisposition; Neoplastic Syndromes, Hereditary; Hereditary Cancer Syndrome; Hereditary neoplastic syndrome. Identifiers: Orphanet 140162, MedGen C0027672, MeSH D009386, MONDO:0015356.
Familial cancer of breast. Also called: hereditary breast carcinoma; BREAST CANCER, FAMILIAL; Hereditary breast cancer. Identifiers: Orphanet 227535, MedGen C0346153, MONDO:0016419, OMIM 114480. Disease mechanism: loss of function.
Fanconi anemia complementation group J. Also called: BRIP1-Related Fanconi Anemia. Identifiers: Orphanet 84, MedGen C1836860, MONDO:0012187, OMIM 609054.

Submissions (2):

Labcorp Genetics (formerly Invitae), Labcorp
Classification: Uncertain significance for Familial cancer of breast; Fanconi anemia complementation group J. Last evaluated: 2022-12-06. Review status: criteria provided, single submitter. Criteria: Invitae Variant Classification Sherloc (09022015). Collection method: clinical testing. Allele origin: germline.
Comment: This variant is not present in population databases (gnomAD no frequency). This sequence change replaces phenylalanine, which is neutral and non-polar, with leucine, which is neutral and non-polar, at codon 771 of the BRIP1 protein (p.Phe771Leu). In summary, the available evidence is currently insufficient to determine the role of this variant in disease. Therefore, it has been classified as a Variant of Uncertain Significance. Advanced modeling of protein sequence and biophysical properties (such as structural, functional, and spatial information, amino acid conservation, physicochemical variation, residue mobility, and thermodynamic stability) performed at Invitae indicates that this missense variant is expected to disrupt BRIP1 protein function. ClinVar contains an entry for this variant (Variation ID: 1062356). This variant has not been reported in the literature in individuals affected with BRIP1-related conditions.

Ambry Genetics
Classification: Uncertain significance for Hereditary cancer-predisposing syndrome. Last evaluated: 2021-09-23. Review status: criteria provided, single submitter. Criteria: Ambry Variant Classification Scheme 2023. Collection method: clinical testing. Allele origin: germline.
Comment: The p.F771L variant (also known as c.2311T>C), located in coding exon 15 of the BRIP1 gene, results from a T to C substitution at nucleotide position 2311. The phenylalanine at codon 771 is replaced by leucine, an amino acid with highly similar properties. This amino acid position is conserved. In addition, this alteration is predicted to be deleterious by in silico analysis. Since supporting evidence is limited at this time, the clinical significance of this alteration remains unclear.

NM_032043.3(BRIP1):c.2311T>C (p.Phe771Leu)

Gene: BRIP1 (BRCA1 interacting DNA helicase 1; minus strand). Cytogenetic location: 17q23.2.
Variant type: single nucleotide variant.
Coding change: c.2311T>C on transcript NM_032043.3 (MANE Select); coding-DNA position 2311, T replaced by C.
Protein change: p.Phe771Leu; replaces phenylalanine 771 with leucine.
Molecular consequence: missense variant.
Genome position (GRCh38, 1-based): chr17:61,743,081, A>G on the plus strand (T>C on the coding strand, the complement: BRIP1 is on the minus strand). VCF-style: chr17-61743081-A-G. GRCh37 (hg19) VCF-style: chr17-59820442-A-G.
Other names: short protein forms F771L.
Identifiers: ClinVar variation 1062356 (VCV001062356.10), dbSNP rs2144677768, ClinGen allele CA400482660.